The following is an entry in ClinVar:

NM_001735.3(C5):c.4081-6A>G

Gene: C5 (complement C5; minus strand). Cytogenetic location: 9q33.2.
Variant type: single nucleotide variant.
Coding change: c.4081-6A>G on transcript NM_001735.3 (MANE Select); 6 bases into the intron before coding-DNA position 4081, A replaced by G.
Molecular consequence: intron variant.
Genome position (GRCh38, 1-based): chr9:120,970,257, T>C on the plus strand (A>G on the coding strand, the complement: C5 is on the minus strand). VCF-style: chr9-120970257-T-C. GRCh37 (hg19) VCF-style: chr9-123732535-T-C.
Other names: c.4099-6A>G (NM_001317163.2).
Identifiers: ClinVar variation 1411070 (VCV001411070.7), dbSNP rs563554052, ClinGen allele CA5217298.

ClinVar aggregate classification (germline): Uncertain significance. Review status: criteria provided, multiple submitters, no conflicts (2 of 4 stars). 2 submissions from 2 submitters: Uncertain significance (2). Last evaluated 2022-03-07.

Conditions:
Complement component 5 deficiency. Also called: C5 DEFICIENCY. Identifiers: MedGen C0343047, MONDO:0012295, OMIM 609536.
Eculizumab, poor response to. Identifiers: MedGen C3810402, OMIM 615749.

Allele frequency attached by ClinVar (database versions not stated): gnomAD 0.00001 and 0.00002; gnomAD exomes 0.00002 and 0.00003; TOPMed 0.00002; ExAC 0.00003; 1000 Genomes Project 30x 0.00031; 1000 Genomes Project 0.00040.
gnomAD v4.1: 40 of 1,597,882 alleles (0.0025%); highest among the groups gnomAD compares: East Asian, 0.0045%; no homozygotes.

Submissions (2):

Fulgent Genetics
Classification: Uncertain significance for Complement component 5 deficiency; Eculizumab, poor response to. Last evaluated: 2022-03-07. Review status: criteria provided, single submitter. Criteria: ACMG Guidelines, 2015. Collection method: clinical testing. Allele origin: unknown.

Labcorp Genetics (formerly Invitae), Labcorp
Classification: Uncertain significance. Last evaluated: 2022-03-07. Review status: criteria provided, single submitter. Criteria: Invitae Variant Classification Sherloc (09022015). Collection method: clinical testing. Allele origin: germline.
Comment: In summary, the available evidence is currently insufficient to determine the role of this variant in disease. Therefore, it has been classified as a Variant of Uncertain Significance. Algorithms developed to predict the effect of sequence changes on RNA splicing suggest that this variant may disrupt the consensus splice site. This variant has not been reported in the literature in individuals affected with C5-related conditions. This variant is present in population databases (rs563554052, gnomAD 0.01%). This sequence change falls in intron 31 of the C5 gene. It does not directly change the encoded amino acid sequence of the C5 protein.